The following is an entry in ClinVar:

ClinVar aggregate classification (germline): Conflicting classifications of pathogenicity. Review status: criteria provided, conflicting classifications (1 of 4 stars). 4 submissions from 4 submitters: Likely pathogenic (2); Uncertain significance (2). Last evaluated 2025-09-20.

Conditions:
Infantile neuroaxonal dystrophy (NBIA2A). Also called: NEURODEGENERATION WITH BRAIN IRON ACCUMULATION 2A; SEITELBERGER DISEASE; Infantile neuroaxonal dystrophy 1. Identifiers: Orphanet 35069, MedGen C0270724, MONDO:0024457, OMIM 256600.

Allele frequency attached by ClinVar (database versions not stated): ExAC 0.00001; gnomAD exomes 0.00001.
gnomAD v4.1: 9 of 1,613,226 alleles (0.00056%); highest among the groups gnomAD compares: Non-Finnish European, 0.00076%; no homozygotes.

Submissions (4):

Labcorp Genetics (formerly Invitae), Labcorp
Classification: Likely pathogenic for Infantile neuroaxonal dystrophy. Last evaluated: 2025-09-20. Review status: criteria provided, single submitter. Criteria: Invitae Variant Classification Sherloc (09022015). Collection method: clinical testing. Allele origin: germline.
Comment: This sequence change replaces proline, which is neutral and non-polar, with leucine, which is neutral and non-polar, at codon 118 of the PLA2G6 protein (p.Pro118Leu). This variant is not present in population databases (gnomAD no frequency). This missense change has been observed in individual(s) with clinical features of infantile neuroaxonal dystrophy (internal data). In at least one individual the data is consistent with being in trans (on the opposite chromosome) from a pathogenic variant. ClinVar contains an entry for this variant (Variation ID: 1513883). Invitae Evidence Modeling of protein sequence and biophysical properties (such as structural, functional, and spatial information, amino acid conservation, physicochemical variation, residue mobility, and thermodynamic stability) indicates that this missense variant is expected to disrupt PLA2G6 protein function with a positive predictive value of 80%. In summary, the currently available evidence indicates that the variant is pathogenic, but additional data are needed to prove that conclusively. Therefore, this variant has been classified as Likely Pathogenic.

GeneDx
Classification: Likely pathogenic. Last evaluated: 2025-01-21. Review status: criteria provided, single submitter. Criteria: GeneDx Variant Classification Process June 2021. Collection method: clinical testing. Allele origin: germline. Affected: yes.
Comment: Not observed at significant frequency in large population cohorts (gnomAD); In silico analysis supports that this missense variant has a deleterious effect on protein structure/function; Has not been previously published as pathogenic or benign to our knowledge; This variant is associated with the following publications: (PMID: 27467583)

Women's Health and Genetics/Laboratory Corporation of America, LabCorp
Classification: Uncertain significance. Last evaluated: 2024-04-19. Review status: criteria provided, single submitter. Criteria: LabCorp Variant Classification Summary - May 2015. Collection method: clinical testing. Allele origin: germline.
Comment: Variant summary: PLA2G6 c.353C>T (p.Pro118Leu) results in a non-conservative amino acid change in the encoded protein sequence. Four of five in-silico tools predict a damaging effect of the variant on protein function. The variant was absent in 248752 control chromosomes. The available data on variant occurrences in the general population are insufficient to allow any conclusion about variant significance. To our knowledge, no occurrence of c.353C>T in individuals affected with Neurodegeneration With Brain Iron Accumulation and no experimental evidence demonstrating its impact on protein function have been reported. ClinVar contains an entry for this variant (Variation ID: 1513883). Based on the evidence outlined above, the variant was classified as uncertain significance.

Mayo Clinic Laboratories, Mayo Clinic
Classification: Uncertain significance. Last evaluated: 2024-01-09. Review status: criteria provided, single submitter. Criteria: ACMG Guidelines, 2015. Collection method: clinical testing. Allele origin: germline. Observed: 1 variant allele.
Comment: PM2_moderate

NM_003560.4(PLA2G6):c.353C>T (p.Pro118Leu)

Gene: PLA2G6 (phospholipase A2 group VI; minus strand). Cytogenetic location: 22q13.1.
Variant type: single nucleotide variant.
Coding change: c.353C>T on transcript NM_003560.4 (MANE Select); coding-DNA position 353, C replaced by T.
Protein change: p.Pro118Leu; replaces proline 118 with leucine.
Molecular consequence: missense variant. On other transcripts: 5 prime UTR variant (3).
Genome position (GRCh38, 1-based): chr22:38,145,510, G>A on the plus strand (C>T on the coding strand, the complement: PLA2G6 is on the minus strand). VCF-style: chr22-38145510-G-A. GRCh37 (hg19) VCF-style: chr22-38541517-G-A.
Other names: p.Pro118Leu; c.353C>T, p.Pro118Leu (NM_001004426.3, NM_001199562.3, NM_001349864.2 and 2 more transcripts); c.-182C>T (NM_001349867.2, NM_001349869.2); c.-138C>T (NM_001349868.2); c.353C>T (NM_003560.2); short protein forms P118L.
Identifiers: ClinVar variation 1513883 (VCV001513883.9), dbSNP rs765125582, ClinGen allele CA10231287.